The following is an entry in ClinVar:

ClinVar aggregate classification (germline): Likely benign. Review status: criteria provided, multiple submitters, no conflicts (2 of 4 stars). 3 submissions from 3 submitters: Likely benign (3). Last evaluated 2026-01-02.

Conditions:
RYR1-related disorder. Also called: RYR1-related condition; RYR1-related disorders. Identifiers: MedGen CN239331.
Malignant hyperthermia, susceptibility to, 1 (MHS1). Also called: Anesthesia related hyperthermia; Malignant hyperpyrexia; Fulminating hyperpyrexia; Pharmacogenic myopathy; Malignant hyperthermia suceptibility 1; RYR1-Related Malignant Hyperthermia Susceptibility. Identifiers: Orphanet 423, MedGen C2930980, MONDO:0007783, OMIM 145600.

Allele frequency attached by ClinVar (database versions not stated): gnomAD 0.00004 and 0.00006; ExAC 0.00005; TOPMed 0.00008; gnomAD exomes 0.00010; 1000 Genomes Project 30x 0.00062; 1000 Genomes Project 0.00080.
gnomAD v4.1: 52 of 1,613,508 alleles (0.0032%); highest among the groups gnomAD compares: East Asian, 0.08%; no homozygotes.

Submissions (3):

Labcorp Genetics (formerly Invitae), Labcorp
Classification: Likely benign for RYR1-related disorder. Last evaluated: 2026-01-02. Review status: criteria provided, single submitter. Criteria: Invitae Variant Classification Sherloc (09022015). Collection method: clinical testing. Allele origin: germline.

All of Us Research Program, National Institutes of Health
Classification: Likely benign for Malignant hyperthermia, susceptibility to, 1. Last evaluated: 2024-05-14. Review status: criteria provided, single submitter. Criteria: ACMG Guidelines, 2015. Collection method: clinical testing. Allele origin: germline. Inheritance: Autosomal dominant inheritance. Observed: 8 variant alleles, 8 heterozygotes.
Comment: This study involves interpretation of variants in research participants for the purpose of population health screening. Participant phenotype was not available at the time of variant classification. Additional details can be found in publication PMID: 35346344, PMCID: PMC8962531

Color Diagnostics, LLC DBA Color Health
Classification: Likely benign for Malignant hyperthermia, susceptibility to, 1. Last evaluated: 2022-11-06. Review status: criteria provided, single submitter. Criteria: ACMG Guidelines, 2015. Collection method: clinical testing. Allele origin: germline.

NM_000540.3(RYR1):c.6837C>T (p.Ser2279=)

Gene: RYR1 (ryanodine receptor 1; plus strand). Cytogenetic location: 19q13.2.
Variant type: single nucleotide variant.
Coding change: c.6837C>T on transcript NM_000540.3 (MANE Select); coding-DNA position 6837, C replaced by T.
Protein change: p.Ser2279=; no amino-acid change (serine 2279 retained).
Molecular consequence: synonymous variant.
Genome position (GRCh38, 1-based): chr19:38,496,900, C>T. VCF-style: chr19-38496900-C-T. GRCh37 (hg19) VCF-style: chr19-38987540-C-T.
Other names: c.6837C>T, p.Ser2279= (NM_001042723.2).
Identifiers: ClinVar variation 698192 (VCV000698192.21), dbSNP rs201803186, ClinGen allele CA068798.